The following is an entry in ClinVar:

NM_012470.4(TNPO3):c.2652C>T (p.Thr884=)

Gene: TNPO3 (transportin 3; minus strand). Cytogenetic location: 7q32.1.
Variant type: single nucleotide variant.
Coding change: c.2652C>T on transcript NM_012470.4 (MANE Select); coding-DNA position 2652, C replaced by T.
Protein change: p.Thr884=; no amino-acid change (threonine 884 retained).
Molecular consequence: synonymous variant. On other transcripts: non-coding transcript variant (18).
Genome position (GRCh38, 1-based): chr7:128,967,339, G>A on the plus strand (C>T on the coding strand, the complement: TNPO3 is on the minus strand). VCF-style: chr7-128967339-G-A. GRCh37 (hg19) VCF-style: chr7-128607393-G-A.
Other names: p.Thr884=; c.2460C>T, p.Thr820= (NM_001191028.3, NM_001382223.1); c.2754C>T, p.Thr918= (NM_001382216.1); c.2733C>T, p.Thr911= (NM_001382217.1); c.2652C>T, p.Thr884= (NM_001382218.1); c.2544C>T, p.Thr848= (NM_001382219.1); c.2511C>T, p.Thr837= (NM_001382220.1); c.2508C>T, p.Thr836= (NM_001382221.1); and 1 more.
Identifiers: ClinVar variation 282630 (VCV000282630.20), dbSNP rs149434536, ClinGen allele CA4477818.

ClinVar aggregate classification (germline): Benign. Review status: criteria provided, multiple submitters, no conflicts (2 of 4 stars). 6 submissions from 6 submitters: Benign (5). 1 of the submissions does not count toward it. Last evaluated 2026-01-24.

Conditions:
TNPO3-related disorder. Also called: TNPO3-related condition.
Autosomal dominant limb-girdle muscular dystrophy type 1F (LGMDD2). Also called: Limb-girdle muscular dystrophy, type 1F; MUSCULAR DYSTROPHY, LIMB-GIRDLE, AUTOSOMAL DOMINANT 2. Identifiers: Orphanet 55595, MedGen C1842062, MONDO:0012034, OMIM 608423.

Allele frequency attached by ClinVar (database versions not stated): gnomAD 0.00140; 1000 Genomes Project 0.00160; 1000 Genomes Project 30x 0.00172; ESP Exome Variant Server 0.00177; TOPMed 0.00209.
gnomAD v4.1: 528 of 1,613,932 alleles (0.033%); highest among the groups gnomAD compares: African/African-American, 0.56%; no homozygotes.

Submissions (6):

Labcorp Genetics (formerly Invitae), Labcorp
Classification: Benign for Autosomal dominant limb-girdle muscular dystrophy type 1F. Last evaluated: 2026-01-24. Review status: criteria provided, single submitter. Criteria: Invitae Variant Classification Sherloc (09022015). Collection method: clinical testing. Allele origin: germline.

GeneDx
Classification: Benign. Last evaluated: 2020-10-14. Review status: criteria provided, single submitter. Criteria: GeneDx Variant Classification Process June 2021. Collection method: clinical testing. Allele origin: germline. Affected: yes.

Mayo Clinic Laboratories, Mayo Clinic
Classification: Benign. Last evaluated: 2018-05-10. Review status: criteria provided, single submitter. Criteria: ACMG Guidelines, 2015. Collection method: clinical testing. Allele origin: germline. Observed: 4 variant alleles.

Eurofins Ntd Llc (ga)
Classification: Benign. Last evaluated: 2015-08-21. Review status: criteria provided, single submitter. Criteria: EGL Classification Definitions 2015. Collection method: clinical testing. Allele origin: germline. Observed: 1 variant allele, 1 heterozygote.

Breakthrough Genomics
Classification: Benign. Review status: criteria provided, single submitter. Criteria: ACMG Guidelines, 2015. Collection method: not provided. Allele origin: germline. Inheritance: Autosomal dominant inheritance. Affected: yes.

PreventionGenetics, part of Exact Sciences
Classification: Benign for TNPO3-related condition. Last evaluated: 2019-03-26. Review status: no assertion criteria provided. Collection method: clinical testing. Allele origin: germline. Not counted in ClinVar's aggregate classification.
Comment: This variant is classified as benign based on ACMG/AMP sequence variant interpretation guidelines (Richards et al. 2015 PMID: 25741868, with internal and published modifications).